The following is an entry in ClinVar:

ClinVar aggregate classification (germline): Uncertain significance. Review status: criteria provided, multiple submitters, no conflicts (2 of 4 stars). 2 submissions from 2 submitters: Uncertain significance (2). Last evaluated 2026-03-31.

Conditions:
Hereditary cancer-predisposing syndrome. Also called: Tumor predisposition; Hereditary Cancer Syndrome; Hereditary neoplastic syndrome; Neoplastic Syndromes, Hereditary. Identifiers: Orphanet 140162, MedGen C0027672, MeSH D009386, MONDO:0015356.
Gastrointestinal stromal tumor. Also called: Gastrointestinal stroma tumor; Gastrointestinal stromal tumor, somatic. Identifiers: Orphanet 44890, MedGen C0238198, MeSH D046152, MONDO:0011719, OMIM 606764, HP:0100723.

Allele frequency attached by ClinVar (database versions not stated): gnomAD exomes below 0.00001; ExAC 0.00002.
gnomAD v4.1: 1 of 1,584,776 alleles (0.000063%); highest among the groups gnomAD compares: South Asian, 0.0011%; no homozygotes.

Submissions (2):

Ambry Genetics
Classification: Uncertain significance for Hereditary cancer-predisposing syndrome. Last evaluated: 2026-03-31. Review status: criteria provided, single submitter. Criteria: Ambry Variant Classification Scheme 2023. Collection method: clinical testing. Allele origin: germline.
Comment: The c.2802+4A>G intronic variant results from an A to G substitution 4 nucleotides after coding exon 20 in the KIT gene. This nucleotide position is well conserved in available vertebrate species. In silico splice site analysis predicts that this alteration may weaken the native splice donor site. Based on the available evidence, the clinical significance of this variant remains unclear.

Labcorp Genetics (formerly Invitae), Labcorp
Classification: Uncertain significance for Gastrointestinal stromal tumor. Last evaluated: 2022-05-28. Review status: criteria provided, single submitter. Criteria: Invitae Variant Classification Sherloc (09022015). Collection method: clinical testing. Allele origin: germline.
Comment: In summary, the available evidence is currently insufficient to determine the role of this variant in disease. Therefore, it has been classified as a Variant of Uncertain Significance. Variants that disrupt the consensus splice site are a relatively common cause of aberrant splicing (PMID: 17576681, 9536098). Algorithms developed to predict the effect of sequence changes on RNA splicing suggest that this variant may disrupt the consensus splice site. This variant has not been reported in the literature in individuals affected with KIT-related conditions. This variant is present in population databases (rs752009677, gnomAD 0.003%). This sequence change falls in intron 20 of the KIT gene. It does not directly change the encoded amino acid sequence of the KIT protein. It affects a nucleotide within the consensus splice site.

Literature cited by the submitters: PubMed 17576681 (cited by Labcorp Genetics (formerly Invitae), Labcorp); PubMed 9536098 (cited by Labcorp Genetics (formerly Invitae), Labcorp).

NM_000222.3(KIT):c.2802+4A>G

Gene: KIT (KIT proto-oncogene, receptor tyrosine kinase; plus strand). Cytogenetic location: 4q12.
Variant type: single nucleotide variant.
Coding change: c.2802+4A>G on transcript NM_000222.3 (MANE Select); 4 bases into the intron after coding-DNA position 2802, A replaced by G.
Molecular consequence: intron variant.
Genome position (GRCh38, 1-based): chr4:54,737,284, A>G. VCF-style: chr4-54737284-A-G. GRCh37 (hg19) VCF-style: chr4-55603450-A-G.
Other names: c.2799+4A>G (NM_001385285.1); c.2790+4A>G (NM_001093772.2, NM_001385292.1); c.2787+4A>G (NM_001385286.1); c.2802+4A>G (NM_000222.2, NM_001385290.1); c.2805+4A>G (NM_001385284.1); c.2793+4A>G (NM_001385288.1).
Identifiers: ClinVar variation 2000064 (VCV002000064.5), dbSNP rs752009677, ClinGen allele CA2923855.
Genomic context (GRCh38, chr4:54,737,284, plus strand): 5'-ACATTCAAGCAAATTGTTCAGCTAATTGAGAAGCAGATTTCAGAGAGCACCAATCATGTG[A>G]GTATACCCTGGCCAGGCATAGAATCCCCCTTCTCCCAGTTCCAGGTGTGTCCTCCTCCTC-3'